The following is an entry in ClinVar:

ClinVar aggregate classification (germline): Likely benign. Review status: criteria provided, multiple submitters, no conflicts (2 of 4 stars). 3 submissions from 3 submitters: Likely benign (3). Last evaluated 2025-04-09.

Conditions:
Duchenne muscular dystrophy (DMD). Also called: Duchenne Muscular Dystrophy (DMD); MUSCULAR DYSTROPHY, PSEUDOHYPERTROPHIC PROGRESSIVE, DUCHENNE TYPE. Identifiers: Orphanet 98896, MedGen C0013264, MONDO:0010679, OMIM 310200.

Allele frequency attached by ClinVar (database versions not stated): TOPMed below 0.00001; ExAC 0.00001; gnomAD exomes 0.00001.
gnomAD v4.1: 14 of 1,209,926 alleles (0.0012%); highest among the groups gnomAD compares: African/African-American, 0.0017%; no homozygotes.

Submissions (3):

Molecular Diagnostic Laboratory for Inherited Cardiovascular Disease, Montreal Heart Institute
Classification: Likely benign. Last evaluated: 2025-04-09. Review status: criteria provided, single submitter. Criteria: ACMG Guidelines, 2015. Collection method: clinical testing. Allele origin: germline. Affected: no.
Comment: BP7

Labcorp Genetics (formerly Invitae), Labcorp
Classification: Likely benign for Duchenne muscular dystrophy. Last evaluated: 2024-11-02. Review status: criteria provided, single submitter. Criteria: Invitae Variant Classification Sherloc (09022015). Collection method: clinical testing. Allele origin: germline.

Blueprint Genetics
Classification: Likely benign. Last evaluated: 2024-06-28. Review status: criteria provided, single submitter. Criteria: ACMG Guidelines, 2015. Collection method: clinical testing. Allele origin: germline.

NM_004006.3(DMD):c.5505A>G (p.Gln1835=)

Gene: DMD (dystrophin; minus strand). Cytogenetic location: Xp21.1.
Variant type: single nucleotide variant.
Coding change: c.5505A>G on transcript NM_004006.3 (MANE Select); coding-DNA position 5505, A replaced by G.
Protein change: p.Gln1835=; no amino-acid change (glutamine 1835 retained).
Molecular consequence: synonymous variant.
Genome position (GRCh38, 1-based): chrX:32,346,024, T>C on the plus strand (A>G on the coding strand, the complement: DMD is on the minus strand). VCF-style: chrX-32346024-T-C. GRCh37 (hg19) VCF-style: chrX-32364141-T-C.
Other names: c.5481A>G, p.Gln1827= (NM_000109.4); c.5493A>G, p.Gln1831= (NM_004009.3); c.5136A>G, p.Gln1712= (NM_004010.3); c.1482A>G, p.Gln494= (NM_004011.4); c.1473A>G, p.Gln491= (NM_004012.4).
Identifiers: ClinVar variation 699811 (VCV000699811.11), dbSNP rs778782916, ClinGen allele CA10378668.